The following is an entry in ClinVar:

ClinVar aggregate classification (germline): Uncertain significance (1 of 4 stars; one submission).

Conditions:
Hereditary cancer-predisposing syndrome. Also called: Tumor predisposition; Hereditary Cancer Syndrome; Neoplastic Syndromes, Hereditary; Hereditary neoplastic syndrome. Identifiers: Orphanet 140162, MedGen C0027672, MeSH D009386, MONDO:0015356.

Submission:

Color Diagnostics, LLC DBA Color Health
Classification: Uncertain significance for Hereditary cancer-predisposing syndrome. Last evaluated: 2021-07-07. Review status: criteria provided, single submitter. Criteria: ACMG Guidelines, 2015. Collection method: clinical testing. Allele origin: germline.
Comment: This missense variant replaces threonine with alanine at codon 189 of the STK11 protein. Computational prediction suggests that this variant may not impact protein structure and function (internally defined REVEL score threshold <= 0.5, PMID: 27666373). To our knowledge, functional studies have not been reported for this variant. This variant has not been reported in individuals affected with hereditary cancer in the literature. This variant has not been identified in the general population by the Genome Aggregation Database (gnomAD). The available evidence is insufficient to determine the role of this variant in disease conclusively. Therefore, this variant is classified as a Variant of Uncertain Significance.

NM_000455.5(STK11):c.565A>G (p.Thr189Ala)

Gene: STK11 (serine/threonine kinase 11; plus strand). Cytogenetic location: 19p13.3.
Variant type: single nucleotide variant.
Coding change: c.565A>G on transcript NM_000455.5 (MANE Select); coding-DNA position 565, A replaced by G.
Protein change: p.Thr189Ala; replaces threonine 189 with alanine.
Molecular consequence: missense variant.
Genome position (GRCh38, 1-based): chr19:1,220,473, A>G. VCF-style: chr19-1220473-A-G. GRCh37 (hg19) VCF-style: chr19-1220472-A-G.
Other names: short protein forms T189A.
Identifiers: ClinVar variation 1332663 (VCV001332663.2), dbSNP rs2145424563, ClinGen allele CA402949203.
Genomic context (GRCh38, chr19:1,220,473, plus strand): 5'-AGCCAGGGCATTGTGCACAAGGACATCAAGCCGGGGAACCTGCTGCTCACCACCGGTGGC[A>G]CCCTCAAAATCTCCGACCTGGGCGTGGCCGAGGTAGGCACGTGCTAGGGGGGGCCCTGGG-3'
Protein context (NP_000446.1, residues 179-199): PGNLLLTTGG[Thr189Ala]LKISDLGVAE